The following is an entry in ClinVar:

NM_032217.5(ANKRD17):c.5422C>G (p.Arg1808Gly)

Gene: ANKRD17 (ankyrin repeat domain 17; minus strand). Cytogenetic location: 4q13.3.
Variant type: single nucleotide variant.
Coding change: c.5422C>G on transcript NM_032217.5 (MANE Select); coding-DNA position 5422, C replaced by G.
Protein change: p.Arg1808Gly; replaces arginine 1808 with glycine.
Molecular consequence: missense variant.
Genome position (GRCh38, 1-based): chr4:73,092,206, G>C on the plus strand (C>G on the coding strand, the complement: ANKRD17 is on the minus strand). VCF-style: chr4-73092206-G-C. GRCh37 (hg19) VCF-style: chr4-73957923-G-C.
Other names: c.5083C>G, p.Arg1695Gly (NM_001286771.3); c.5419C>G, p.Arg1807Gly (NM_015574.2); c.4669C>G, p.Arg1557Gly (NM_198889.3); short protein forms R1557G, R1695G, R1807G, R1808G.
Identifiers: ClinVar variation 3906446 (VCV003906446.1).
Genomic context (GRCh38, chr4:73,092,206, plus strand): 5'-CAGCAGTGGTGGTAGGTGCTGATGACCCTATTTTGGAATTTGCTGAGGAGCTTTTCAAAC[G>C]ATTCTTTGGAATAAGTTCATCAATTTCTTTGTCTGGATCCTTGATCAAAGCATTAATCAA-3'
Protein context (NP_115593.3, residues 1798-1818): KEIDELIPKN[Arg1808Gly]LKSSSANSKI

ClinVar aggregate classification (germline): Uncertain significance (1 of 4 stars; one submission).

Submission:

GeneDx
Classification: Uncertain significance. Last evaluated: 2024-12-23. Review status: criteria provided, single submitter. Criteria: GeneDx Variant Classification Process June 2021. Collection method: clinical testing. Allele origin: germline. Affected: yes.
Comment: Not observed at significant frequency in large population cohorts (gnomAD); In silico analysis indicates that this missense variant does not alter protein structure/function; Has not been previously published as pathogenic or benign to our knowledge